The following is an entry in ClinVar:

ClinVar aggregate classification (germline): Uncertain significance (1 of 4 stars; one submission).

Submission:

Labcorp Genetics (formerly Invitae), Labcorp
Classification: Uncertain significance. Last evaluated: 2022-03-18. Review status: criteria provided, single submitter. Criteria: Invitae Variant Classification Sherloc (09022015). Collection method: clinical testing. Allele origin: germline.
Comment: In summary, the available evidence is currently insufficient to determine the role of this variant in disease. Therefore, it has been classified as a Variant of Uncertain Significance. Algorithms developed to predict the effect of missense changes on protein structure and function (SIFT, PolyPhen-2, Align-GVGD) all suggest that this variant is likely to be disruptive. This variant has not been reported in the literature in individuals affected with GNAT1-related conditions. This variant is not present in population databases (gnomAD no frequency). This sequence change replaces glutamine, which is neutral and polar, with proline, which is neutral and non-polar, at codon 143 of the GNAT1 protein (p.Gln143Pro).

NM_144499.3(GNAT1):c.428A>C (p.Gln143Pro)

Gene: GNAT1 (G protein subunit alpha transducin 1; plus strand). Cytogenetic location: 3p21.31.
Variant type: single nucleotide variant.
Coding change: c.428A>C on transcript NM_144499.3 (MANE Select); coding-DNA position 428, A replaced by C.
Protein change: p.Gln143Pro; replaces glutamine 143 with proline.
Molecular consequence: missense variant.
Genome position (GRCh38, 1-based): chr3:50,193,642, A>C. VCF-style: chr3-50193642-A-C. GRCh37 (hg19) VCF-style: chr3-50231075-A-C.
Other names: c.428A>C, p.Gln143Pro (NM_000172.4); short protein forms Q143P.
Identifiers: ClinVar variation 2113871 (VCV002113871.4), dbSNP rs2546144966, ClinGen allele CA352915545.